The following is an entry in ClinVar:

NM_032242.4(PLXNA1):c.752G>T (p.Arg251Leu)

Gene: PLXNA1 (plexin A1; plus strand). Cytogenetic location: 3q21.3.
Variant type: single nucleotide variant.
Coding change: c.752G>T on transcript NM_032242.4 (MANE Select); coding-DNA position 752, G replaced by T.
Protein change: p.Arg251Leu; replaces arginine 251 with leucine.
Molecular consequence: missense variant.
Genome position (GRCh38, 1-based): chr3:126,989,345, G>T. VCF-style: chr3-126989345-G-T. GRCh37 (hg19) VCF-style: chr3-126708188-G-T.
Other names: short protein forms R251L.
Identifiers: ClinVar variation 4988544 (VCV004988544.1).

ClinVar aggregate classification (germline): Uncertain significance (1 of 4 stars; one submission).

Conditions:
PLXNA1-related disorder. Also called: PLXNA1-related condition.

gnomAD v4.1: 11 of 1,613,510 alleles (0.00068%); highest among the groups gnomAD compares: African/African-American, 0.012%; no homozygotes.

Submission:

PreventionGenetics, part of Exact Sciences
Classification: Uncertain significance for PLXNA1-related condition. Last evaluated: 2025-10-15. Review status: criteria provided, single submitter. Criteria: ACMG Guidelines, 2015. Collection method: clinical testing. Allele origin: germline.
Comment: The PLXNA1 c.752G>T variant is predicted to result in the amino acid substitution p.Arg251Leu. To our knowledge, this variant has not been reported in the literature. This variant is reported in 0.018% of alleles in individuals of African descent in gnomAD. At this time, the clinical significance of this variant is uncertain due to the absence of conclusive functional and genetic evidence.